The following is an entry in ClinVar:

ClinVar aggregate classification (germline): Pathogenic (1 of 4 stars; one submission).

Conditions:
Charcot-Marie-Tooth disease type 2. Also called: Charcot-Marie-Tooth type 2. Identifiers: Orphanet 64746, MedGen C0270914, MONDO:0018993.

Submission:

Labcorp Genetics (formerly Invitae), Labcorp
Classification: Pathogenic for Charcot-Marie-Tooth disease type 2. Last evaluated: 2023-08-30. Review status: criteria provided, single submitter. Criteria: Invitae Variant Classification Sherloc (09022015). Collection method: clinical testing. Allele origin: germline.
Comment: This sequence change creates a premature translational stop signal (p.Glu236*) in the LMNA gene. It is expected to result in an absent or disrupted protein product. Loss-of-function variants in LMNA are known to be pathogenic (PMID: 18585512, 18926329). For these reasons, this variant has been classified as Pathogenic. This variant has not been reported in the literature in individuals affected with LMNA-related conditions. This variant is not present in population databases (gnomAD no frequency).

Literature cited by the submitters: PubMed 18585512; PubMed 18926329.

NM_170707.4(LMNA):c.705dup (p.Glu236Ter)

Gene: LMNA (lamin A/C; plus strand). Cytogenetic location: 1q22.
Variant type: Duplication.
Coding change: c.705dup on transcript NM_170707.4 (MANE Select); coding-DNA position 705, one base duplicated (T; older notation c.705dupT).
Protein change: p.Glu236Ter; replaces glutamic acid 236 with a stop codon.
Molecular consequence: nonsense. On other transcripts: frameshift variant (4).
Genome position (GRCh38, 1-based): chr1:156,134,870, T duplicated. VCF-style (leftmost placement, unchanged base first): chr1-156134869-G-GT. GRCh37 (hg19) VCF-style: chr1-156104660-G-GT.
Other names: c.147dup, p.Glu50Ter (NM_001406995.1, NM_001406996.1, NM_001406997.1 and 4 more transcripts); c.369dup, p.Glu124Ter (NM_001406998.1, NM_001257374.3, NM_001406989.1); c.41dup, p.Ser15fs (NM_001406999.1, NM_001407000.1, NM_001407001.1 and 1 more transcripts); c.705dup, p.Glu236Ter (NM_005572.4, NM_170708.4, NM_001282625.2 and 6 more transcripts); c.462dup, p.Glu155Ter (NM_001282624.2, NM_001406986.1, NM_001406987.1); c.408dup, p.Glu137Ter (NM_001406988.1); short protein forms E50*, S15fs, E137*, E155*, E236*, E124*.
Identifiers: ClinVar variation 2863930 (VCV002863930.3), dbSNP rs2527973173, ClinGen allele CA2739275309.